The following is an entry in ClinVar:

ClinVar aggregate classification (germline): Uncertain significance (1 of 4 stars; one submission).

Submission:

GeneDx
Classification: Uncertain significance. Last evaluated: 2026-04-20. Review status: criteria provided, single submitter. Criteria: GeneDx Variant Classification Process June 2021. Collection method: clinical testing. Allele origin: germline.
Comment: Not observed at significant frequency in large population cohorts (gnomAD); In silico analysis suggests that this missense variant does not alter protein structure/function; Has not been previously published as pathogenic or benign to our knowledge

NM_001394998.1(TANC2):c.1240G>C (p.Val414Leu)

Gene: TANC2 (tetratricopeptide repeat, ankyrin repeat and coiled-coil containing 2; plus strand). Cytogenetic location: 17q23.3.
Variant type: single nucleotide variant.
Coding change: c.1240G>C on transcript NM_001394998.1 (MANE Select); coding-DNA position 1240, G replaced by C.
Protein change: p.Val414Leu; replaces valine 414 with leucine.
Molecular consequence: missense variant.
Genome position (GRCh38, 1-based): chr17:63,314,468, G>C. VCF-style: chr17-63314468-G-C. GRCh37 (hg19) VCF-style: chr17-61391829-G-C.
Other names: c.1018G>C, p.Val340Leu (NM_001411076.1, NM_025185.4); short protein forms V340L, V414L.
Identifiers: ClinVar variation 5037427 (VCV005037427.1).